The following is an entry in ClinVar:

NM_025219.3(DNAJC5):c.232A>G (p.Lys78Glu)

Gene: DNAJC5 (DnaJ heat shock protein family (Hsp40) member C5; plus strand). Cytogenetic location: 20q13.33.
Variant type: single nucleotide variant.
Coding change: c.232A>G on transcript NM_025219.3 (MANE Select); coding-DNA position 232, A replaced by G.
Protein change: p.Lys78Glu; replaces lysine 78 with glutamic acid.
Molecular consequence: missense variant.
Genome position (GRCh38, 1-based): chr20:63,929,436, A>G. VCF-style: chr20-63929436-A-G. GRCh37 (hg19) VCF-style: chr20-62560789-A-G.
Other names: short protein forms K78E.
Identifiers: ClinVar variation 941271 (VCV000941271.9), dbSNP rs2053643194, ClinGen allele CA409716647.

ClinVar aggregate classification (germline): Uncertain significance (1 of 4 stars; one submission).

Conditions:
Neuronal ceroid lipofuscinosis. Also called: Neuronal Ceroid Lipofuscinoses. Identifiers: Orphanet 216, Orphanet 79263, MedGen C0027877, MONDO:0016295. Disease mechanism: loss of function.

Allele frequency attached by ClinVar (database versions not stated): TOPMed below 0.00001.

Submission:

Labcorp Genetics (formerly Invitae), Labcorp
Classification: Uncertain significance for Neuronal ceroid lipofuscinosis. Last evaluated: 2019-10-08. Review status: criteria provided, single submitter. Criteria: Invitae Variant Classification Sherloc (09022015). Collection method: clinical testing. Allele origin: germline.
Comment: This sequence change replaces lysine with glutamic acid at codon 78 of the DNAJC5 protein (p.Lys78Glu). The lysine residue is moderately conserved and there is a small physicochemical difference between lysine and glutamic acid. This variant is not present in population databases (ExAC no frequency). This variant has not been reported in the literature in individuals with DNAJC5-related conditions. Algorithms developed to predict the effect of missense changes on protein structure and function (SIFT, PolyPhen-2, Align-GVGD) all suggest that this variant is likely to be tolerated, but these predictions have not been confirmed by published functional studies and their clinical significance is uncertain. In summary, the available evidence is currently insufficient to determine the role of this variant in disease. Therefore, it has been classified as a Variant of Uncertain Significance.